The following is an entry in ClinVar:

ClinVar aggregate classification (germline): Pathogenic (1 of 4 stars; one submission).

Submission:

Labcorp Genetics (formerly Invitae), Labcorp
Classification: Pathogenic. Last evaluated: 2023-06-21. Review status: criteria provided, single submitter. Criteria: Invitae Variant Classification Sherloc (09022015). Collection method: clinical testing. Allele origin: germline.
Comment: For these reasons, this variant has been classified as Pathogenic. This variant has not been reported in the literature in individuals affected with FZD4-related conditions. This variant is not present in population databases (gnomAD no frequency). This sequence change creates a premature translational stop signal (p.Ser9Glyfs*117) in the FZD4 gene. While this is not anticipated to result in nonsense mediated decay, it is expected to disrupt the last 529 amino acid(s) of the FZD4 protein. This variant disrupts a region of the FZD4 protein in which other variant(s) (p.Gln505*) have been determined to be pathogenic (PMID: 15223780, 23077402). This suggests that this is a clinically significant region of the protein, and that variants that disrupt it are likely to be disease-causing.

Literature cited by the submitters: PubMed 15223780; PubMed 23077402.

NM_012193.4(FZD4):c.25_35del (p.Ser9fs)

Gene: FZD4 (frizzled class receptor 4; minus strand). Cytogenetic location: 11q14.2.
Variant type: Deletion.
Coding change: c.25_35del on transcript NM_012193.4 (MANE Select); coding-DNA positions 25 to 35, 11 bases deleted (AGCGTCCCGGG).
Protein change: p.Ser9fs; shifts the reading frame from serine 9.
Molecular consequence: frameshift variant.
Genome position (GRCh38, 1-based): chr11:86,955,051-86,955,061, CCCGGGACGCT deleted on the plus strand (AGCGTCCCGGG on the coding strand, the reverse complement: FZD4 is on the minus strand); deleting any 11 consecutive bases within chr11:86,955,051-86,955,062 gives the same sequence; the c. name uses the placement nearest the transcript's 3' end. VCF-style (leftmost placement, unchanged base first): chr11-86955050-CCCCGGGACGCT-C. GRCh37 (hg19) VCF-style: chr11-86666092-CCCCGGGACGCT-C.
Other names: short protein forms S9fs.
Identifiers: ClinVar variation 2721711 (VCV002721711.3), dbSNP rs2495875075, ClinGen allele CA2697548859.
Genomic context (GRCh38, chr11:86,955,050, plus strand): 5'-CCCCAGGAGCAGCAGCAACTGCAGGAGCAACCCCAGACTGAGACCGACGCCCCCGGGCGC[CCCCGGGACGCT>C]CGGCCCTGCGCCCCGCCAGGCCATGGCCAGCATCGGGGGTAGCAGCGGCAGCGGCTGGGG-3'